The following is an entry in ClinVar:

NM_000548.5(TSC2):c.5260-7_5260-5delinsGTGC

Gene: TSC2 (TSC complex subunit 2; plus strand). Cytogenetic location: 16p13.3.
Variant type: Indel.
Coding change: c.5260-7_5260-5delinsGTGC on transcript NM_000548.5 (MANE Select); 7 bases into the intron before coding-DNA position 5260 through 5 bases into the intron before coding-DNA position 5260, CCT replaced by GTGC.
Molecular consequence: intron variant.
Genome position (GRCh38, 1-based): chr16:2,088,439-2,088,441, CCT replaced by GTGC. VCF-style: chr16-2088439-CCT-GTGC. GRCh37 (hg19) VCF-style: chr16-2138440-CCT-GTGC.
Other names: c.5191-7_5191-5delinsGTGC (NM_001114382.3); c.5131-7_5131-5delinsGTGC (NM_021055.3); c.5119-7_5119-5delinsGTGC (NM_001370405.1); c.5062-7_5062-5delinsGTGC (NM_001363528.2); c.5128-7_5128-5delinsGTGC (NM_001370404.1); c.5059-7_5059-5delinsGTGC (NM_001077183.3); c.4951-7_4951-5delinsGTGC (NM_001318827.2); c.4528-7_4528-5delinsGTGC (NM_001318831.2); and 2 more.
Identifiers: ClinVar variation 582613 (VCV000582613.6), dbSNP rs1567133272, ClinGen allele CA891844205.

ClinVar aggregate classification (germline): Uncertain significance (1 of 4 stars; one submission).

Conditions:
Tuberous sclerosis 2 (TSC2). Identifiers: Orphanet 805, MedGen C1860707, MONDO:0013199, OMIM 613254.

Submission:

Labcorp Genetics (formerly Invitae), Labcorp
Classification: Uncertain significance for Tuberous sclerosis 2. Last evaluated: 2021-07-14. Review status: criteria provided, single submitter. Criteria: Invitae Variant Classification Sherloc (09022015). Collection method: clinical testing. Allele origin: germline.
Comment: This sequence change falls in intron 41 of the TSC2 gene. It does not directly change the encoded amino acid sequence of the TSC2 protein. This variant is not present in population databases (ExAC no frequency). This variant has not been reported in the literature in individuals affected with TSC2-related conditions. Algorithms developed to predict the effect of sequence changes on RNA splicing suggest that this variant may disrupt the consensus splice site. In summary, the available evidence is currently insufficient to determine the role of this variant in disease. Therefore, it has been classified as a Variant of Uncertain Significance.